The following is an entry in ClinVar:

ClinVar aggregate classification (germline): Uncertain significance. Review status: criteria provided, multiple submitters, no conflicts (2 of 4 stars). 2 submissions from 2 submitters: Uncertain significance (2). Last evaluated 2023-06-28.

Conditions:
Hereditary cancer-predisposing syndrome. Also called: Hereditary neoplastic syndrome; Tumor predisposition; Neoplastic Syndromes, Hereditary; Hereditary Cancer Syndrome. Identifiers: Orphanet 140162, MedGen C0027672, MeSH D009386, MONDO:0015356.
Neuroblastoma, susceptibility to, 3. Also called: ALK-Related Neuroblastic Tumor Susceptibility. Identifiers: Orphanet 635, MedGen C2751681, MONDO:0013083, OMIM 613014.

Submissions (2):

Ambry Genetics
Classification: Uncertain significance for Hereditary cancer-predisposing syndrome. Last evaluated: 2023-06-28. Review status: criteria provided, single submitter. Criteria: Ambry Variant Classification Scheme 2023. Collection method: clinical testing. Allele origin: germline.
Comment: The p.I630N variant (also known as c.1889T>A), located in coding exon 10 of the ALK gene, results from a T to A substitution at nucleotide position 1889. The isoleucine at codon 630 is replaced by asparagine, an amino acid with dissimilar properties. This amino acid position is conserved. In addition, this alteration is predicted to be tolerated by in silico analysis. Since supporting evidence is limited at this time, the clinical significance of this alteration remains unclear.

Labcorp Genetics (formerly Invitae), Labcorp
Classification: Uncertain significance for Neuroblastoma, susceptibility to, 3. Last evaluated: 2022-09-17. Review status: criteria provided, single submitter. Criteria: Invitae Variant Classification Sherloc (09022015). Collection method: clinical testing. Allele origin: germline.
Comment: This sequence change replaces isoleucine, which is neutral and non-polar, with asparagine, which is neutral and polar, at codon 630 of the ALK protein (p.Ile630Asn). In summary, the available evidence is currently insufficient to determine the role of this variant in disease. Therefore, it has been classified as a Variant of Uncertain Significance. Algorithms developed to predict the effect of missense changes on protein structure and function (SIFT, PolyPhen-2, Align-GVGD) all suggest that this variant is likely to be disruptive. This variant has not been reported in the literature in individuals affected with ALK-related conditions. This variant is not present in population databases (gnomAD no frequency).

NM_004304.5(ALK):c.1889T>A (p.Ile630Asn)

Gene: ALK (ALK receptor tyrosine kinase; minus strand). Cytogenetic location: 2p23.2.
Variant type: single nucleotide variant.
Coding change: c.1889T>A on transcript NM_004304.5 (MANE Select); coding-DNA position 1889, T replaced by A.
Protein change: p.Ile630Asn; replaces isoleucine 630 with asparagine.
Molecular consequence: missense variant.
Genome position (GRCh38, 1-based): chr2:29,275,425, A>T on the plus strand (T>A on the coding strand, the complement: ALK is on the minus strand). VCF-style: chr2-29275425-A-T. GRCh37 (hg19) VCF-style: chr2-29498291-A-T.
Other names: c.1889T>A (NM_004304.4); short protein forms I630N.
Identifiers: ClinVar variation 1719637 (VCV001719637.7), dbSNP rs2465332123, ClinGen allele CA346479901.